The following is an entry in ClinVar:

NM_000179.3(MSH6):c.804C>T (p.Asp268=)

Gene: MSH6 (mutS homolog 6; plus strand). Cytogenetic location: 2p16.3.
Variant type: single nucleotide variant.
Coding change: c.804C>T on transcript NM_000179.3 (MANE Select); coding-DNA position 804, C replaced by T.
Protein change: p.Asp268=; no amino-acid change (aspartic acid 268 retained).
Molecular consequence: synonymous variant. On other transcripts: 5 prime UTR variant (2).
Genome position (GRCh38, 1-based): chr2:47,798,787, C>T. VCF-style: chr2-47798787-C-T. GRCh37 (hg19) VCF-style: chr2-48025926-C-T.
Other names: c.414C>T, p.Asp138= (NM_001281492.2); c.-103C>T (NM_001281493.2, NM_001281494.2).
Identifiers: ClinVar variation 700271 (VCV000700271.17), dbSNP rs780831590, ClinGen allele CA073452.

ClinVar aggregate classification (germline): Benign/Likely benign. Review status: criteria provided, multiple submitters, no conflicts (2 of 4 stars). 4 submissions from 4 submitters: Benign (1); Likely benign (3). Last evaluated 2025-12-10.

Conditions:
Hereditary cancer-predisposing syndrome. Also called: Neoplastic Syndromes, Hereditary; Hereditary neoplastic syndrome; Hereditary Cancer Syndrome; Tumor predisposition. Identifiers: Orphanet 140162, MedGen C0027672, MeSH D009386, MONDO:0015356.
Lynch syndrome 5 (LYNCH5). Also called: Colorectal cancer, hereditary nonpolyposis, type 5; Hereditary non-polyposis colorectal cancer, type 5. Identifiers: Orphanet 144, MedGen C1833477, MONDO:0013710, OMIM 614350. Disease mechanism: loss of function.
Hereditary nonpolyposis colorectal neoplasms. Identifiers: MedGen C0009405, MeSH D003123.

Allele frequency attached by ClinVar (database versions not stated): gnomAD exomes below 0.00001; ExAC 0.00001; TOPMed 0.00001.

Submissions (4):

Labcorp Genetics (formerly Invitae), Labcorp
Classification: Likely benign for Hereditary nonpolyposis colorectal neoplasms. Last evaluated: 2025-12-10. Review status: criteria provided, single submitter. Criteria: Invitae Variant Classification Sherloc (09022015). Collection method: clinical testing. Allele origin: germline.

Myriad Genetics, Inc.
Classification: Benign for Lynch syndrome 5. Last evaluated: 2024-12-20. Review status: criteria provided, single submitter. Criteria: Myriad Autosomal Dominant, Autosomal Recessive and X-Linked Classification Criteria (2023). Collection method: clinical testing. Allele origin: unknown.
Comment: This variant is considered benign. This variant is a silent/synonymous amino acid change and it is not expected to impact splicing.

Blueprint Genetics
Classification: Likely benign. Last evaluated: 2022-05-06. Review status: criteria provided, single submitter. Criteria: ACMG Guidelines, 2015. Collection method: clinical testing. Allele origin: germline.

Ambry Genetics
Classification: Likely benign for Hereditary cancer-predisposing syndrome. Last evaluated: 2019-02-04. Review status: criteria provided, single submitter. Criteria: Ambry Variant Classification Scheme 2023. Collection method: clinical testing. Allele origin: germline.